The following is an entry in ClinVar:

NM_182914.3(SYNE2):c.7437A>T (p.Glu2479Asp)

Gene: SYNE2 (spectrin repeat containing nuclear envelope protein 2; plus strand). Cytogenetic location: 14q23.2.
Variant type: single nucleotide variant.
Coding change: c.7437A>T on transcript NM_182914.3 (MANE Select); coding-DNA position 7437, A replaced by T.
Protein change: p.Glu2479Asp; replaces glutamic acid 2479 with aspartic acid.
Molecular consequence: missense variant.
Genome position (GRCh38, 1-based): chr14:64,049,670, A>T. VCF-style: chr14-64049670-A-T. GRCh37 (hg19) VCF-style: chr14-64516388-A-T.
Other names: c.7437A>T, p.Glu2479Asp (NM_015180.6); short protein forms E2479D.
Identifiers: ClinVar variation 649549 (VCV000649549.8), dbSNP rs375700055, ClinGen allele CA7220932.

ClinVar aggregate classification (germline): Uncertain significance (1 of 4 stars; one submission).

Conditions:
Emery-Dreifuss muscular dystrophy 5, autosomal dominant (EDMD5). Also called: EMERY-DREIFUSS MUSCULAR DYSTROPHY 5. Identifiers: Orphanet 261, MedGen C2751805, MONDO:0013072, OMIM 612999.

Allele frequency attached by ClinVar (database versions not stated): gnomAD 0.00001; ExAC 0.00002; gnomAD exomes 0.00002; ESP Exome Variant Server 0.00008.
gnomAD v4.1: 61 of 1,614,062 alleles (0.0038%); highest among the groups gnomAD compares: Non-Finnish European, 0.005%; no homozygotes.

Submission:

Labcorp Genetics (formerly Invitae), Labcorp
Classification: Uncertain significance for Emery-Dreifuss muscular dystrophy 5, autosomal dominant. Last evaluated: 2025-01-23. Review status: criteria provided, single submitter. Criteria: Invitae Variant Classification Sherloc (09022015). Collection method: clinical testing. Allele origin: germline.
Comment: This sequence change replaces glutamic acid, which is acidic and polar, with aspartic acid, which is acidic and polar, at codon 2479 of the SYNE2 protein (p.Glu2479Asp). The frequency data for this variant in the population databases is considered unreliable, as metrics indicate poor data quality at this position in the gnomAD database. This variant has not been reported in the literature in individuals affected with SYNE2-related conditions. ClinVar contains an entry for this variant (Variation ID: 649549). An algorithm developed to predict the effect of missense changes on protein structure and function (PolyPhen-2) suggests that this variant is likely to be disruptive. In summary, the available evidence is currently insufficient to determine the role of this variant in disease. Therefore, it has been classified as a Variant of Uncertain Significance.